The following is an entry in ClinVar:

ClinVar aggregate classification (germline): Uncertain significance (1 of 4 stars; one submission).

Conditions:
Hereditary spastic paraplegia 11. Also called: SPASTIC PARAPLEGIA, AUTOSOMAL RECESSIVE, COMPLICATED, WITH THIN CORPUS CALLOSUM; SPASTIC PARAPLEGIA, AUTOSOMAL RECESSIVE, WITH MENTAL IMPAIRMENT AND THIN CORPUS CALLOSUM; Spastic paraplegia, mental retardation and thin corpus callosum; Nakamura Osame syndrome; Autosomal recessive hereditary spastic paraplegia, mental impairment, and thin corpus callosum; Spastic Paraplegia 11. Identifiers: Orphanet 2822, MedGen C1858479, MONDO:0011445, OMIM 604360.

Allele frequency attached by ClinVar (database versions not stated): gnomAD exomes below 0.00001; ExAC 0.00001; gnomAD 0.00001; TOPMed 0.00001.
gnomAD v4.1: 2 of 1,613,966 alleles (0.00012%); highest among the groups gnomAD compares: Non-Finnish European, 0.00017%; no homozygotes.

Submission:

Labcorp Genetics (formerly Invitae), Labcorp
Classification: Uncertain significance for Hereditary spastic paraplegia 11. Last evaluated: 2021-08-27. Review status: criteria provided, single submitter. Criteria: Invitae Variant Classification Sherloc (09022015). Collection method: clinical testing. Allele origin: germline.
Comment: This sequence change replaces threonine with asparagine at codon 2127 of the SPG11 protein (p.Thr2127Asn). The threonine residue is moderately conserved and there is a small physicochemical difference between threonine and asparagine. This variant is present in population databases (rs773909173, ExAC 0.01%). This variant has not been reported in the literature in individuals affected with SPG11-related conditions. Algorithms developed to predict the effect of missense changes on protein structure and function are either unavailable or do not agree on the potential impact of this missense change (SIFT: "Deleterious"; PolyPhen-2: "Possibly Damaging"; Align-GVGD: "Class C0"). In summary, the available evidence is currently insufficient to determine the role of this variant in disease. Therefore, it has been classified as a Variant of Uncertain Significance.

NM_025137.4(SPG11):c.6380C>A (p.Thr2127Asn)

Gene: SPG11 (SPG11 vesicle trafficking associated, spatacsin; minus strand). Cytogenetic location: 15q21.1.
Variant type: single nucleotide variant.
Coding change: c.6380C>A on transcript NM_025137.4 (MANE Select); coding-DNA position 6380, C replaced by A.
Protein change: p.Thr2127Asn; replaces threonine 2127 with asparagine.
Molecular consequence: missense variant.
Genome position (GRCh38, 1-based): chr15:44,570,622, G>T on the plus strand (C>A on the coding strand, the complement: SPG11 is on the minus strand). VCF-style: chr15-44570622-G-T. GRCh37 (hg19) VCF-style: chr15-44862820-G-T.
Other names: c.6041C>A, p.Thr2014Asn (NM_001160227.2); short protein forms T2127N, T2014N.
Identifiers: ClinVar variation 940991 (VCV000940991.7), dbSNP rs773909173, ClinGen allele CA7534149.